The following is an entry in ClinVar:

ClinVar aggregate classification (germline): Pathogenic (1 of 4 stars; one submission).

Conditions:
DNA ligase IV deficiency. Identifiers: Orphanet 99812, MedGen C1847827, MONDO:0011686, OMIM 606593.

Submission:

Labcorp Genetics (formerly Invitae), Labcorp
Classification: Pathogenic for DNA ligase IV deficiency. Last evaluated: 2022-12-13. Review status: criteria provided, single submitter. Criteria: Invitae Variant Classification Sherloc (09022015). Collection method: clinical testing. Allele origin: germline.
Comment: For these reasons, this variant has been classified as Pathogenic. This variant disrupts a region of the LIG4 protein in which other variant(s) (p.Lys424Argfs*20) have been determined to be pathogenic (PMID: 16358631, 24123394, 27612988, 27893162, 29146883). This suggests that this is a clinically significant region of the protein, and that variants that disrupt it are likely to be disease-causing. This variant has not been reported in the literature in individuals affected with LIG4-related conditions. This variant is not present in population databases (gnomAD no frequency). This sequence change creates a premature translational stop signal (p.Lys424Glufs*7) in the LIG4 gene. While this is not anticipated to result in nonsense mediated decay, it is expected to disrupt the last 488 amino acid(s) of the LIG4 protein.

Literature cited by the submitters: PubMed 16358631; PubMed 24123394; PubMed 27612988; PubMed 27893162; PubMed 29146883.

NM_206937.2(LIG4):c.1270_1273del (p.Lys424fs)

Gene: LIG4 (DNA ligase 4; minus strand). Cytogenetic location: 13q33.3.
Variant type: Deletion.
Coding change: c.1270_1273del on transcript NM_206937.2 (MANE Select); coding-DNA positions 1270 to 1273, 4 bases deleted (AAAA; older notation c.1270_1273delAAAA).
Protein change: p.Lys424fs; shifts the reading frame from lysine 424.
Molecular consequence: frameshift variant.
Genome position (GRCh38, 1-based): chr13:108,209,996-108,209,999, TTTT deleted on the plus strand (AAAA on the coding strand, the reverse complement: LIG4 is on the minus strand). VCF-style (leftmost placement, unchanged base first): chr13-108209995-CTTTT-C. GRCh37 (hg19) VCF-style: chr13-108862343-CTTTT-C.
Other names: c.1270_1273del, p.Lys424fs (NM_001352601.2, NM_001352602.2, NM_001352603.1 and 6 more transcripts); c.1306_1309del, p.Lys436fs (NM_001352604.2); c.1069_1072del, p.Lys357fs (NM_001330595.2); short protein forms K357fs, K424fs, K436fs.
Identifiers: ClinVar variation 2809640 (VCV002809640.3), dbSNP rs2501604455, ClinGen allele CA2739277747.